The following is an entry in ClinVar:

ClinVar aggregate classification (germline): Uncertain significance (1 of 4 stars; one submission).

Conditions:
Familial thoracic aortic aneurysm and aortic dissection (TAAD). Also called: Thoracic aortic aneurysms and dissections. Identifiers: Orphanet 91387, MedGen C4707243, MONDO:0019625.

Submission:

Color Diagnostics, LLC DBA Color Health
Classification: Uncertain significance for Familial thoracic aortic aneurysm and aortic dissection. Last evaluated: 2025-09-14. Review status: criteria provided, single submitter. Criteria: ACMG Guidelines, 2015. Collection method: clinical testing. Allele origin: germline.
Comment: This missense variant replaces leucine with phenylalanine at codon 1350 of the COL3A1 protein. Computational prediction suggests that this variant may not impact protein structure and function. To our knowledge, functional studies have not been reported for this variant. This variant has not been reported in individuals affected with COL3A1-related disorders in the literature. This variant has not been identified in the general population by the Genome Aggregation Database (gnomAD). The available evidence is insufficient to determine the role of this variant in disease conclusively. Therefore, this variant is classified as a Variant of Uncertain Significance.

NM_000090.4(COL3A1):c.4048C>T (p.Leu1350Phe)

Gene: COL3A1 (collagen type III alpha 1 chain; plus strand). Cytogenetic location: 2q32.2.
Variant type: single nucleotide variant.
Coding change: c.4048C>T on transcript NM_000090.4 (MANE Select); coding-DNA position 4048, C replaced by T.
Protein change: p.Leu1350Phe; replaces leucine 1350 with phenylalanine.
Molecular consequence: missense variant.
Genome position (GRCh38, 1-based): chr2:189,010,684, C>T. VCF-style: chr2-189010684-C-T. GRCh37 (hg19) VCF-style: chr2-189875410-C-T.
Other names: short protein forms L1350F.
Identifiers: ClinVar variation 4756430 (VCV004756430.1).